The following is an entry in ClinVar:

ClinVar aggregate classification (germline): Uncertain significance (1 of 4 stars; one submission).

Conditions:
Retinoblastoma (RB1). Also called: RETINOBLASTOMA, SOMATIC. Identifiers: Orphanet 790, MedGen C0035335, MeSH D012175, MONDO:0008380, OMIM 180200, HP:0009919. Disease mechanism: loss of function. Inheritance: Both sporadic and heritable forms are tested..

Submission:

Labcorp Genetics (formerly Invitae), Labcorp
Classification: Uncertain significance for Retinoblastoma. Last evaluated: 2023-12-08. Review status: criteria provided, single submitter. Criteria: Invitae Variant Classification Sherloc (09022015). Collection method: clinical testing. Allele origin: germline.
Comment: This sequence change falls in intron 26 of the RB1 gene. It does not directly change the encoded amino acid sequence of the RB1 protein. This variant is present in population databases (no rsID available, gnomAD 0.0009%). This variant has not been reported in the literature in individuals affected with RB1-related conditions. Algorithms developed to predict the effect of sequence changes on RNA splicing suggest that this variant may disrupt the consensus splice site. In summary, the available evidence is currently insufficient to determine the role of this variant in disease. Therefore, it has been classified as a Variant of Uncertain Significance.

NM_000321.3(RB1):c.2714-16_2714-14del

Gene: RB1 (RB transcriptional corepressor 1; plus strand). Cytogenetic location: 13q14.2.
Variant type: Microsatellite.
Coding change: c.2714-16_2714-14del on transcript NM_000321.3 (MANE Select); 16 bases into the intron before coding-DNA position 2714 through 14 bases into the intron before coding-DNA position 2714, 3 bases deleted (TTC; older notation c.2714-16_2714-14delTTC).
Molecular consequence: intron variant. On other transcripts: inframe indel (1).
Genome position (GRCh38, 1-based): chr13:48,479,982-48,479,984, TTC deleted; deleting any 3 consecutive bases within chr13:48,479,979-48,479,984 gives the same sequence; the c. name uses the placement nearest the transcript's 3' end. VCF-style (leftmost placement, unchanged base first): chr13-48479978-GTTC-G. GRCh37 (hg19) VCF-style: chr13-49054114-GTTC-G.
Other names: c.2714_2716TTC[1], p.Leu906del (NM_001407165.1); short protein forms L906del.
Identifiers: ClinVar variation 2143818 (VCV002143818.4), dbSNP rs1166364896, ClinGen allele CA609580690.
Genomic context (GRCh38, chr13:48,479,978, plus strand): 5'-GAGCATAATATATATGGCAGCCACTTGCCAACTTACCCAGTACCATCAATGCTGTTAACA[GTTC>G]TTCATCCTTTTTCCAGCTTCTACTCGAACACGAATGCAAAAGCAGAAAATGAATGATAGC-3'